The following is an entry in ClinVar:

ClinVar aggregate classification (germline): Uncertain significance. Review status: criteria provided, multiple submitters, no conflicts (2 of 4 stars). 2 submissions from 2 submitters: Uncertain significance (2). Last evaluated 2023-04-07.

Conditions:
Progressive sclerosing poliodystrophy (MTDPS4A). Also called: Mitochondrial DNA Depletion Syndrome 4A; Alpers-Huttenlocher Syndrome (AHS); ALPERS PROGRESSIVE INFANTILE POLIODYSTROPHY; NEURONAL DEGENERATION OF CHILDHOOD WITH LIVER DISEASE, PROGRESSIVE; Mitochondrial DNA depletion syndrome 4A (Alpers type); Alpers Syndrome. Identifiers: Orphanet 726, MedGen C0205710, MONDO:0008758, OMIM 203700.
Inborn genetic diseases. Identifiers: MedGen C0950123, MeSH D030342.

Submissions (2):

Labcorp Genetics (formerly Invitae), Labcorp
Classification: Uncertain significance for Progressive sclerosing poliodystrophy. Last evaluated: 2023-04-07. Review status: criteria provided, single submitter. Criteria: Invitae Variant Classification Sherloc (09022015). Collection method: clinical testing. Allele origin: germline.
Comment: Advanced modeling of protein sequence and biophysical properties (such as structural, functional, and spatial information, amino acid conservation, physicochemical variation, residue mobility, and thermodynamic stability) performed at Invitae indicates that this missense variant is expected to disrupt POLG protein function. In summary, the available evidence is currently insufficient to determine the role of this variant in disease. Therefore, it has been classified as a Variant of Uncertain Significance. ClinVar contains an entry for this variant (Variation ID: 2293882). This variant has not been reported in the literature in individuals affected with POLG-related conditions. This variant is not present in population databases (gnomAD no frequency). This sequence change replaces proline, which is neutral and non-polar, with alanine, which is neutral and non-polar, at codon 1213 of the POLG protein (p.Pro1213Ala).

Ambry Genetics
Classification: Uncertain significance for Inborn genetic diseases. Last evaluated: 2022-06-03. Review status: criteria provided, single submitter. Criteria: Ambry Variant Classification Scheme 2023. Collection method: clinical testing. Allele origin: germline.

NM_002693.3(POLG):c.3637C>G (p.Pro1213Ala)

Gene: POLG (DNA polymerase gamma, catalytic subunit; minus strand). Cytogenetic location: 15q26.1.
Variant type: single nucleotide variant.
Coding change: c.3637C>G on transcript NM_002693.3 (MANE Select); coding-DNA position 3637, C replaced by G.
Protein change: p.Pro1213Ala; replaces proline 1213 with alanine.
Molecular consequence: missense variant.
Genome position (GRCh38, 1-based): chr15:89,317,382, G>C on the plus strand (C>G on the coding strand, the complement: POLG is on the minus strand). VCF-style: chr15-89317382-G-C. GRCh37 (hg19) VCF-style: chr15-89860613-G-C.
Other names: c.3637C>G, p.Pro1213Ala (NM_001126131.2); short protein forms P1213A.
Identifiers: ClinVar variation 2293882 (VCV002293882.5), dbSNP rs2055307106, ClinGen allele CA393747202.